The following is an entry in ClinVar:

ClinVar aggregate classification (germline): Uncertain significance (1 of 4 stars; one submission).

Allele frequency attached by ClinVar (database versions not stated): gnomAD exomes 0.00010 and 0.00011; ExAC 0.00013; gnomAD 0.00013 and 0.00014; TOPMed 0.00025; ESP Exome Variant Server 0.00031.

Submission:

Labcorp Genetics (formerly Invitae), Labcorp
Classification: Uncertain significance. Last evaluated: 2025-09-28. Review status: criteria provided, single submitter. Criteria: Invitae Variant Classification Sherloc (09022015). Collection method: clinical testing. Allele origin: germline.
Comment: This sequence change replaces glutamine, which is neutral and polar, with arginine, which is basic and polar, at codon 57 of the ERBB2 protein (p.Gln57Arg). This variant is present in population databases (rs140441229, gnomAD 0.05%). This variant has not been reported in the literature in individuals affected with ERBB2-related conditions. ClinVar contains an entry for this variant (Variation ID: 1425143). Invitae Evidence Modeling of protein sequence and biophysical properties (such as structural, functional, and spatial information, amino acid conservation, physicochemical variation, residue mobility, and thermodynamic stability) indicates that this missense variant is not expected to disrupt ERBB2 protein function with a negative predictive value of 80%. In summary, the available evidence is currently insufficient to determine the role of this variant in disease. Therefore, it has been classified as a Variant of Uncertain Significance.

NM_004448.4(ERBB2):c.170A>G (p.Gln57Arg)

Gene: ERBB2 (erb-b2 receptor tyrosine kinase 2; plus strand). Cytogenetic location: 17q12.
Variant type: single nucleotide variant.
Coding change: c.170A>G on transcript NM_004448.4 (MANE Select); coding-DNA position 170, A replaced by G.
Protein change: p.Gln57Arg; replaces glutamine 57 with arginine.
Molecular consequence: missense variant. On other transcripts: non-coding transcript variant (1), intron variant (1).
Genome position (GRCh38, 1-based): chr17:39,707,086, A>G. VCF-style: chr17-39707086-A-G. GRCh37 (hg19) VCF-style: chr17-37863339-A-G.
Other names: c.80A>G, p.Gln27Arg (NM_001005862.3, NM_001289938.2, NM_001382782.1 and 1 more transcripts); c.125A>G, p.Gln42Arg (NM_001289936.2); c.170A>G, p.Gln57Arg (NM_001289937.2, NM_001382784.1, NM_001382785.1 and 20 more transcripts); c.74-4842A>G (NM_001382804.1); short protein forms Q42R, Q57R, Q27R.
Identifiers: ClinVar variation 1425143 (VCV001425143.6), dbSNP rs140441229, ClinGen allele CA8533543.